The following is an entry in ClinVar:

ClinVar aggregate classification (germline): Likely pathogenic (1 of 4 stars; one submission).

Conditions:
Peutz-Jeghers syndrome (PJS). Also called: POLYPOSIS, HAMARTOMATOUS INTESTINAL; POLYPS-AND-SPOTS SYNDROME; Peutz-Jeghers polyposis; Periorificial lentiginosis syndrome. Identifiers: Orphanet 2869, MedGen C0031269, MeSH D010580, MONDO:0008280, OMIM 175200.

gnomAD v4.1: 1 of 1,567,722 alleles (0.000064%); highest among the groups gnomAD compares: African/African-American, 0.0014%; no homozygotes.

Submission:

Myriad Genetics, Inc.
Classification: Likely pathogenic for Peutz-Jeghers syndrome. Last evaluated: 2024-02-13. Review status: criteria provided, single submitter. Criteria: Myriad Autosomal Dominant, Autosomal Recessive and X-Linked Classification Criteria (2023). Collection method: clinical testing. Allele origin: unknown.
Comment: This variant is considered likely pathogenic. Functional studies indicate this variant impacts protein function [PMID: 15561763]. This variant is expected to disrupt protein structure [Myriad internal data]. This variant has been reported in multiple individuals with clinical features of gene-specific disease [PMID: 32462036, Myriad internal data].

Literature cited by the submitters: PubMed 15561763; PubMed 32462036.

NM_000455.5(STK11):c.889A>G (p.Arg297Gly)

Gene: STK11 (serine/threonine kinase 11; plus strand). Cytogenetic location: 19p13.3.
Variant type: single nucleotide variant.
Coding change: c.889A>G on transcript NM_000455.5 (MANE Select); coding-DNA position 889, A replaced by G.
Protein change: p.Arg297Gly; replaces arginine 297 with glycine.
Molecular consequence: missense variant.
Genome position (GRCh38, 1-based): chr19:1,221,975, A>G. VCF-style: chr19-1221975-A-G. GRCh37 (hg19) VCF-style: chr19-1221974-A-G.
Other names: short protein forms R297G.
Identifiers: ClinVar variation 3147990 (VCV003147990.1), dbSNP rs730881978, ClinGen allele CA023325.